The following is an entry in ClinVar:

NM_001378609.3(OTOGL):c.4039G>A (p.Asp1347Asn)

Gene: OTOGL (otogelin like; plus strand). Cytogenetic location: 12q21.31.
Variant type: single nucleotide variant.
Coding change: c.4039G>A on transcript NM_001378609.3 (MANE Select); coding-DNA position 4039, G replaced by A.
Protein change: p.Asp1347Asn; replaces aspartic acid 1347 with asparagine.
Molecular consequence: missense variant.
Genome position (GRCh38, 1-based): chr12:80,320,658, G>A. VCF-style: chr12-80320658-G-A. GRCh37 (hg19) VCF-style: chr12-80714438-G-A.
Other names: c.3904G>A, p.Asp1302Asn (NM_001368062.3); c.4039G>A, p.Asp1347Asn (NM_001378610.3, NM_173591.7); short protein forms D1302N, D1347N.
Identifiers: ClinVar variation 2570838 (VCV002570838.27), dbSNP rs2541237670, ClinGen allele CA385870609.

ClinVar aggregate classification (germline): Uncertain significance (1 of 4 stars; one submission).

Allele frequency attached by ClinVar (database versions not stated): gnomAD exomes below 0.00001.
gnomAD v4.1: 1 of 1,607,664 alleles (0.000062%); highest among the groups gnomAD compares: Non-Finnish European, 0.000085%; no homozygotes.

Submission:

CeGaT Center for Human Genetics Tuebingen
Classification: Uncertain significance. Last evaluated: 2023-05-01. Review status: criteria provided, single submitter. Criteria: CeGaT Center For Human Genetics Tuebingen Variant Classification Criteria Version 2. Collection method: clinical testing. Allele origin: germline. Affected: yes. Observed: 1 variant allele.
Comment: OTOGL: PM2, BP4